The following is an entry in ClinVar:

ClinVar aggregate classification (germline): Likely pathogenic. Review status: criteria provided, single submitter (1 of 4 stars). 4 submissions from 4 submitters: Likely pathogenic (1). 3 of the submissions do not count toward it. Last evaluated 2023-06-13.

Conditions:
Charcot-Marie-Tooth disease. Also called: Charcot-Marie-Tooth Hereditary Neuropathy; Charcot-Marie-Tooth Neuropathy. Identifiers: Orphanet 166, MedGen C0007959, MONDO:0015626.
Charcot-Marie-Tooth disease type 4J (CMT4J). Also called: CHARCOT-MARIE-TOOTH DISEASE, AUTOSOMAL RECESSIVE, TYPE 4J; Charcot-Marie-Tooth Neuropathy Type 4J; CHARCOT-MARIE-TOOTH DISEASE, DEMYELINATING, TYPE 4J. Identifiers: Orphanet 139515, MedGen C1970011, MONDO:0012640, OMIM 611228.

Allele frequency attached by ClinVar (database versions not stated): gnomAD exomes 0.00001; ExAC 0.00002.
gnomAD v4.1: 17 of 1,606,496 alleles (0.0011%); highest among the groups gnomAD compares: Non-Finnish European, 0.0014%; no homozygotes.

Submissions (4):

Women's Health and Genetics/Laboratory Corporation of America, LabCorp
Classification: Likely pathogenic for Charcot-Marie-Tooth disease type 4J. Last evaluated: 2023-06-13. Review status: criteria provided, single submitter. Criteria: LabCorp Variant Classification Summary - May 2015. Collection method: clinical testing. Allele origin: germline.
Comment: Variant summary: FIG4 c.290-2A>T is located in a canonical splice-site and is predicted to affect mRNA splicing resulting in a significantly altered protein due to either exon skipping, shortening, or inclusion of intronic material. Several computational tools predict a significant impact on normal splicing: Four predict the variant abolishes the canonical 3' splicing acceptor site and three predict it strengthens an alternate 3' splicing acceptor site located in the adjacent exon 4. However, these predictions have yet to be confirmed by functional studies. The variant allele was found at a frequency of 1.2e-05 in 251018 control chromosomes. c.290-2A>T has been reported in the literature as a biallelic compound heterozygous genotype in at least one individual affected with Charcot-Marie Disease Type 4J (e.g., Menezes_2014). To our knowledge, no experimental evidence demonstrating an impact on protein function has been reported. The following publication have been ascertained in the context of this evaluation (PMID: 24878229). One ClinVar submitter has submitted clinical-significance assessments for this variant to ClinVar after 2014 and classified the variant as a variant of uncertain significance citing overlapping evidence utilized in the context of this evaluation. Based on the evidence outlined above, the variant was classified as likely pathogenic.

Inherited Neuropathy Consortium Ii, University Of Miami
Classification: Uncertain significance for Charcot-Marie-Tooth disease type 4J. Last evaluated: 2016-01-06. Review status: no assertion criteria provided. Collection method: literature only. Allele origin: germline. Affected: yes. Not counted in ClinVar's aggregate classification.

OMIM
Classification: Pathogenic for CHARCOT-MARIE-TOOTH DISEASE, DEMYELINATING, TYPE 4J. Last evaluated: 2014-08-01. Review status: no assertion criteria provided. Collection method: literature only. Allele origin: germline. Not counted in ClinVar's aggregate classification.

Inherited Neuropathy Consortium
Classification: Uncertain significance for Charcot-Marie-Tooth disease. Review status: no assertion criteria provided. Collection method: literature only. Allele origin: germline. Affected: yes. Not counted in ClinVar's aggregate classification.

Literature cited by the submitters: PubMed 24878229 (cited by 4 submitters).

NM_014845.6(FIG4):c.290-2A>T

Gene: FIG4 (FIG4 phosphoinositide 5-phosphatase; plus strand). Cytogenetic location: 6q21.
Variant type: single nucleotide variant.
Coding change: c.290-2A>T on transcript NM_014845.6 (MANE Select); the canonical splice acceptor site of the intron before coding-DNA position 290, A replaced by T.
Molecular consequence: splice acceptor variant.
Genome position (GRCh38, 1-based): chr6:109,727,107, A>T. VCF-style: chr6-109727107-A-T. GRCh37 (hg19) VCF-style: chr6-110048310-A-T.
Other names: IVS4AS, A-T, -2.
Identifiers: ClinVar variation 156016 (VCV000156016.5), dbSNP rs587777715, ClinGen allele CA270675.
Genomic context (GRCh38, chr6:109,727,107, plus strand): 5'-AGGCATCTAAAAGCCATTACTAAGTTTATAAAGCATATTTCTCTTTATTTTTTGTTGCAT[A>T]GGTTTTGTCAGGTTCTTAGAAGGCTATTATATTGTGTTAATAACTAAAAGGAGGAAGATG-3'